The following is an entry in ClinVar:

ClinVar aggregate classification (germline): Uncertain significance (1 of 4 stars; one submission).

Conditions:
CHARGE syndrome (CHARGE). Also called: Hittner Hirsch Kreh syndrome; CHARGE ASSOCIATION--COLOBOMA, HEART ANOMALY, CHOANAL ATRESIA, RETARDATION, GENITAL AND EAR ANOMALIES; Coloboma, heart anomaly, choanal atresia, retardation, genital and ear anomalies; CHARGE association; Hall-Hittner syndrome. Identifiers: Orphanet 138, MedGen C0265354, MONDO:0008965.

gnomAD v4.1: 1 of 1,599,404 alleles (0.000063%); highest among the groups gnomAD compares: Non-Finnish European, 0.000085%; no homozygotes.

Submission:

Labcorp Genetics (formerly Invitae), Labcorp
Classification: Uncertain significance for CHARGE syndrome. Last evaluated: 2026-01-17. Review status: criteria provided, single submitter. Criteria: Invitae Variant Classification Sherloc (09022015). Collection method: clinical testing. Allele origin: germline.
Comment: This sequence change replaces glutamic acid, which is acidic and polar, with alanine, which is neutral and non-polar, at codon 2697 of the CHD7 protein (p.Glu2697Ala). This variant is not present in population databases (gnomAD no frequency). This variant has not been reported in the literature in individuals affected with CHD7-related conditions. Invitae Evidence Modeling of protein sequence and biophysical properties (such as structural, functional, and spatial information, amino acid conservation, physicochemical variation, residue mobility, and thermodynamic stability) has been performed for this missense variant. However, the output from this modeling did not meet the statistical confidence thresholds required to predict the impact of this variant on CHD7 protein function. In summary, the available evidence is currently insufficient to determine the role of this variant in disease. Therefore, it has been classified as a Variant of Uncertain Significance.

NM_017780.4(CHD7):c.8090A>C (p.Glu2697Ala)

Gene: CHD7 (chromodomain helicase DNA binding protein 7; plus strand). Cytogenetic location: 8q12.2.
Variant type: single nucleotide variant.
Coding change: c.8090A>C on transcript NM_017780.4 (MANE Select); coding-DNA position 8090, A replaced by C.
Protein change: p.Glu2697Ala; replaces glutamic acid 2697 with alanine.
Molecular consequence: missense variant.
Genome position (GRCh38, 1-based): chr8:60,865,029, A>C. VCF-style: chr8-60865029-A-C. GRCh37 (hg19) VCF-style: chr8-61777588-A-C.
Other names: c.1943A>C, p.Glu648Ala (NM_001316690.1); short protein forms E648A, E2697A.
Identifiers: ClinVar variation 4770376 (VCV004770376.1).